The following is an entry in ClinVar:

ClinVar aggregate classification (germline): Uncertain significance. Review status: criteria provided, multiple submitters, no conflicts (2 of 4 stars). 3 submissions from 3 submitters: Uncertain significance (3). Last evaluated 2025-06-12.

Conditions:
Inborn genetic diseases. Identifiers: MedGen C0950123, MeSH D030342.

Allele frequency attached by ClinVar (database versions not stated): TOPMed below 0.00001; gnomAD exomes 0.00005.
gnomAD v4.1: 66 of 1,609,418 alleles (0.0041%); highest among the groups gnomAD compares: Non-Finnish European, 0.0055%; no homozygotes.

Submissions (3):

Labcorp Genetics (formerly Invitae), Labcorp
Classification: Uncertain significance. Last evaluated: 2025-06-12. Review status: criteria provided, single submitter. Criteria: Invitae Variant Classification Sherloc (09022015). Collection method: clinical testing. Allele origin: germline.
Comment: This sequence change replaces asparagine, which is neutral and polar, with serine, which is neutral and polar, at codon 427 of the SLC12A6 protein (p.Asn427Ser). This variant is present in population databases (no rsID available, gnomAD 0.0009%). This variant has not been reported in the literature in individuals affected with SLC12A6-related conditions. ClinVar contains an entry for this variant (Variation ID: 2563160). Invitae Evidence Modeling of protein sequence and biophysical properties (such as structural, functional, and spatial information, amino acid conservation, physicochemical variation, residue mobility, and thermodynamic stability) indicates that this missense variant is not expected to disrupt SLC12A6 protein function with a negative predictive value of 80%. In summary, the available evidence is currently insufficient to determine the role of this variant in disease. Therefore, it has been classified as a Variant of Uncertain Significance.

Ambry Genetics
Classification: Uncertain significance for Inborn genetic diseases. Last evaluated: 2025-04-01. Review status: criteria provided, single submitter. Criteria: Ambry Variant Classification Scheme 2023. Collection method: clinical testing. Allele origin: germline.

GeneDx
Classification: Uncertain significance. Last evaluated: 2024-04-24. Review status: criteria provided, single submitter. Criteria: GeneDx Variant Classification Process June 2021. Collection method: clinical testing. Allele origin: germline. Affected: yes.
Comment: Not observed at significant frequency in large population cohorts (gnomAD); In silico analysis supports that this missense variant has a deleterious effect on protein structure/function; Has not been previously published as pathogenic or benign to our knowledge

NM_001365088.1(SLC12A6):c.1280A>G (p.Asn427Ser)

Gene: SLC12A6 (solute carrier family 12 member 6; minus strand). Cytogenetic location: 15q14.
Variant type: single nucleotide variant.
Coding change: c.1280A>G on transcript NM_001365088.1 (MANE Select); coding-DNA position 1280, A replaced by G.
Protein change: p.Asn427Ser; replaces asparagine 427 with serine.
Molecular consequence: missense variant.
Genome position (GRCh38, 1-based): chr15:34,252,223, T>C on the plus strand (A>G on the coding strand, the complement: SLC12A6 is on the minus strand). VCF-style: chr15-34252223-T-C. GRCh37 (hg19) VCF-style: chr15-34544424-T-C.
Other names: c.1103A>G, p.Asn368Ser (NM_001042494.2, NM_001042495.2); c.1253A>G, p.Asn418Ser (NM_001042496.2); c.1235A>G, p.Asn412Ser (NM_001042497.2); c.1127A>G, p.Asn376Ser (NM_005135.2); c.1280A>G, p.Asn427Ser (NM_133647.2); short protein forms N376S, N412S, N368S, N418S, N427S.
Identifiers: ClinVar variation 2563160 (VCV002563160.5), dbSNP rs1295620383, ClinGen allele CA391607257.
Genomic context (GRCh38, chr15:34,252,223, plus strand): 5'-AACTTACCTGTAATTATACCACTAGCCAATCCAGGAATGCCCTGGATTGAAGTGACGTTA[T>C]TGTGAACAAAGTATTCATCACAGGTGGCATTGAAAAATTGACTCGAGTTACAGAAGAATC-3'
Protein context (NP_001352017.1, residues 417-437): NATCDEYFVH[Asn427Ser]NVTSIQGIPG